The following is an entry in ClinVar:

NM_001257096.2(PAX1):c.185G>C (p.Arg62Pro)

Gene: PAX1 (paired box 1; plus strand). Cytogenetic location: 20p11.22.
Variant type: single nucleotide variant.
Coding change: c.185G>C on transcript NM_001257096.2 (MANE Select); coding-DNA position 185, G replaced by C.
Protein change: p.Arg62Pro; replaces arginine 62 with proline.
Molecular consequence: missense variant.
Genome position (GRCh38, 1-based): chr20:21,705,897, G>C. VCF-style: chr20-21705897-G-C. GRCh37 (hg19) VCF-style: chr20-21686535-G-C.
Other names: c.185G>C, p.Arg62Pro (NM_006192.5); short protein forms R62P.
Identifiers: ClinVar variation 1964787 (VCV001964787.5), dbSNP rs777916923, ClinGen allele CA408497027.
Genomic context (GRCh38, chr20:21,705,897, plus strand): 5'-GCCCGCGGCTGGGCCGCCGCGGCTCTCGGCTCTCGGGCGCCCTCCCTCTATGCCTCTCAC[G>C]CGGCGGCGGCGGCGCCCAAGCTCTCCCGGACTGCGCCGGGCCCAGCCCCGGCCACCCCGG-3'
Protein context (NP_001244025.1, residues 52-72): LSGALPLCLS[Arg62Pro]GGGGAQALPD

ClinVar aggregate classification (germline): Uncertain significance (1 of 4 stars; one submission).

Submission:

Labcorp Genetics (formerly Invitae), Labcorp
Classification: Uncertain significance. Last evaluated: 2022-07-17. Review status: criteria provided, single submitter. Criteria: Invitae Variant Classification Sherloc (09022015). Collection method: clinical testing. Allele origin: germline.
Comment: In summary, the available evidence is currently insufficient to determine the role of this variant in disease. Therefore, it has been classified as a Variant of Uncertain Significance. Algorithms developed to predict the effect of missense changes on protein structure and function (SIFT, PolyPhen-2, Align-GVGD) all suggest that this variant is likely to be tolerated. This variant has not been reported in the literature in individuals affected with PAX1-related conditions. This variant is present in population databases (no rsID available, gnomAD 0.008%). This sequence change replaces arginine, which is basic and polar, with proline, which is neutral and non-polar, at codon 62 of the PAX1 protein (p.Arg62Pro).